The following is an entry in ClinVar:

NM_001111.5(ADAR):c.1576C>T (p.Gln526Ter)

Gene: ADAR (adenosine deaminase RNA specific; minus strand). Cytogenetic location: 1q21.3.
Variant type: single nucleotide variant.
Coding change: c.1576C>T on transcript NM_001111.5 (MANE Select); coding-DNA position 1576, C replaced by T.
Protein change: p.Gln526Ter; replaces glutamine 526 with a stop codon.
Molecular consequence: nonsense.
Genome position (GRCh38, 1-based): chr1:154,601,066, G>A on the plus strand (C>T on the coding strand, the complement: ADAR is on the minus strand). VCF-style: chr1-154601066-G-A. GRCh37 (hg19) VCF-style: chr1-154573542-G-A.
Other names: c.691C>T, p.Gln231Ter (NM_001025107.3, NM_001193495.2, NM_001365046.1 and 3 more transcripts); c.1603C>T, p.Gln535Ter (NM_001365045.1); c.1576C>T, p.Gln526Ter (NM_015840.4, NM_015841.4); short protein forms Q526*, Q535*, Q231*.
Identifiers: ClinVar variation 2946309 (VCV002946309.3), dbSNP rs2526645023, ClinGen allele CA342595960.

ClinVar aggregate classification (germline): Pathogenic (1 of 4 stars; one submission).

Conditions:
Symmetrical dyschromatosis of extremities (DSH). Also called: RETICULATE ACROPIGMENTATION OF DOHI; SYMMETRIC DYSCHROMATOSIS OF THE EXTREMITIES; DYSCHROMATOSIS SYMMETRICA HEREDITARIA 1; Dyschromatosis symmetrica hereditaria. Identifiers: Orphanet 41, MedGen C0406775, MONDO:0007483, OMIM 127400.
Aicardi-Goutieres syndrome 6 (AGS6). Identifiers: Orphanet 51, MedGen C3539013, MONDO:0014007, OMIM 615010.

Submission:

Labcorp Genetics (formerly Invitae), Labcorp
Classification: Pathogenic for Aicardi-Goutieres syndrome 6; Symmetrical dyschromatosis of extremities. Last evaluated: 2023-04-07. Review status: criteria provided, single submitter. Criteria: Invitae Variant Classification Sherloc (09022015). Collection method: clinical testing. Allele origin: germline.
Comment: This sequence change creates a premature translational stop signal (p.Gln526*) in the ADAR gene. It is expected to result in an absent or disrupted protein product. Loss-of-function variants in ADAR are known to be pathogenic (PMID: 22974014). This variant is not present in population databases (gnomAD no frequency). This variant has not been reported in the literature in individuals affected with ADAR-related conditions. Algorithms developed to predict the effect of sequence changes on RNA splicing suggest that this variant may create or strengthen a splice site. For these reasons, this variant has been classified as Pathogenic.

Literature cited by the submitters: PubMed 22974014.